The following is an entry in ClinVar:

ClinVar aggregate classification (germline): Benign/Likely benign. Review status: criteria provided, multiple submitters, no conflicts (2 of 4 stars). 3 submissions from 3 submitters: Benign (1); Likely benign (1). 1 of the submissions does not count toward it. Last evaluated 2026-01-26.

Conditions:
CARD9-related disorder. Also called: CARD9-related condition.
Predisposition to invasive fungal disease due to CARD9 deficiency (IMD103). Also called: CARD9 IMMUNODEFICIENCY; IMMUNODEFICIENCY 103, SUSCEPTIBILITY TO FUNGAL INFECTIONS; Candidiasis, familial, 2, autosomal recessive. Identifiers: Orphanet 457088, MedGen C1859353, MONDO:0008905, OMIM 212050.

Allele frequency attached by ClinVar (database versions not stated): gnomAD exomes 0.00016 and 0.00053; 1000 Genomes Project 0.00100; ExAC 0.00119; 1000 Genomes Project 30x 0.00125; gnomAD 0.00174 and 0.00191; ESP Exome Variant Server 0.00188; TOPMed 0.00193.
gnomAD v4.1: 496 of 1,560,296 alleles (0.032%); highest among the groups gnomAD compares: African/African-American, 0.6%; 5 homozygotes.

Submissions (3):

Labcorp Genetics (formerly Invitae), Labcorp
Classification: Benign for Predisposition to invasive fungal disease due to CARD9 deficiency. Last evaluated: 2026-01-26. Review status: criteria provided, single submitter. Criteria: Invitae Variant Classification Sherloc (09022015). Collection method: clinical testing. Allele origin: germline.

Blueprint Genetics
Classification: Likely benign. Last evaluated: 2024-11-26. Review status: criteria provided, single submitter. Criteria: ACMG Guidelines, 2015. Collection method: clinical testing. Allele origin: germline.

PreventionGenetics, part of Exact Sciences
Classification: Likely benign for CARD9-related condition. Last evaluated: 2019-09-17. Review status: no assertion criteria provided. Collection method: clinical testing. Allele origin: germline. Not counted in ClinVar's aggregate classification.
Comment: This variant is classified as likely benign based on ACMG/AMP sequence variant interpretation guidelines (Richards et al. 2015 PMID: 25741868, with internal and published modifications).

NM_052813.5(CARD9):c.1596C>T (p.Asp532=)

Gene: CARD9 (caspase recruitment domain family member 9; minus strand). Cytogenetic location: 9q34.3.
Variant type: single nucleotide variant.
Coding change: c.1596C>T on transcript NM_052813.5 (MANE Select); coding-DNA position 1596, C replaced by T.
Protein change: p.Asp532=; no amino-acid change (aspartic acid 532 retained).
Molecular consequence: synonymous variant. On other transcripts: intron variant (1).
Genome position (GRCh38, 1-based): chr9:136,364,317, G>A on the plus strand (C>T on the coding strand, the complement: CARD9 is on the minus strand). VCF-style: chr9-136364317-G-A. GRCh37 (hg19) VCF-style: chr9-139258769-G-A.
Other names: c.1442-155C>T (NM_052814.4).
Identifiers: ClinVar variation 467796 (VCV000467796.15), dbSNP rs151057624, ClinGen allele CA5332571.